The following is an entry in ClinVar:

NM_000061.3(BTK):c.1778T>C (p.Leu593Pro)

Gene: BTK (Bruton tyrosine kinase; minus strand). Cytogenetic location: Xq22.1.
Variant type: single nucleotide variant.
Coding change: c.1778T>C on transcript NM_000061.3 (MANE Select); coding-DNA position 1778, T replaced by C.
Protein change: p.Leu593Pro; replaces leucine 593 with proline.
Molecular consequence: missense variant.
Genome position (GRCh38, 1-based): chrX:101,353,324, A>G on the plus strand (T>C on the coding strand, the complement: BTK is on the minus strand). VCF-style: chrX-101353324-A-G. GRCh37 (hg19) VCF-style: chrX-100608312-A-G.
Other names: c.1880T>C, p.Leu627Pro (NM_001287344.2); c.1250T>C, p.Leu417Pro (NM_001287345.2); short protein forms L593P, L417P, L627P.
Identifiers: ClinVar variation 1362382 (VCV001362382.8), dbSNP rs2147424197, ClinGen allele CA413919452.

ClinVar aggregate classification (germline): Uncertain significance (1 of 4 stars; one submission).

Conditions:
X-linked agammaglobulinemia with growth hormone deficiency (IGHD3). Also called: FLEISHER SYNDROME; HYPOGAMMAGLOBULINEMIA AND ISOLATED GROWTH HORMONE DEFICIENCY, X-LINKED; IGHD III; ISOLATED GROWTH HORMONE DEFICIENCY, TYPE III, WITH AGAMMAGLOBULINEMIA; AGAMMAGLOBULINEMIA AND ISOLATED GROWTH HORMONE DEFICIENCY, X-LINKED; Isolated growth hormone deficiency type 3. Identifiers: Orphanet 231692, Orphanet 631, MedGen C0472813, MONDO:0010615, OMIM 307200.

Submission:

Labcorp Genetics (formerly Invitae), Labcorp
Classification: Uncertain significance for X-linked agammaglobulinemia with growth hormone deficiency. Last evaluated: 2021-01-03. Review status: criteria provided, single submitter. Criteria: Invitae Variant Classification Sherloc (09022015). Collection method: clinical testing. Allele origin: germline.
Comment: Algorithms developed to predict the effect of missense changes on protein structure and function are either unavailable or do not agree on the potential impact of this missense change (SIFT: "Deleterious"; PolyPhen-2: "Probably Damaging"; Align-GVGD: "Class C0"). In summary, the available evidence is currently insufficient to determine the role of this variant in disease. Therefore, it has been classified as a Variant of Uncertain Significance. This variant has not been reported in the literature in individuals with BTK-related conditions. This variant is not present in population databases (ExAC no frequency). This sequence change replaces leucine with proline at codon 593 of the BTK protein (p.Leu593Pro). The leucine residue is highly conserved and there is a moderate physicochemical difference between leucine and proline.